The following is an entry in ClinVar:

ClinVar aggregate classification (germline): Uncertain significance (1 of 4 stars; one submission).

Conditions:
TRIM32-related disorder. Also called: TRIM32-related condition.

gnomAD v4.1: 6 of 1,614,188 alleles (0.00037%); highest among the groups gnomAD compares: Non-Finnish European, 0.00051%; no homozygotes.

Submission:

PreventionGenetics, part of Exact Sciences
Classification: Uncertain significance for TRIM32-related condition. Last evaluated: 2026-02-25. Review status: criteria provided, single submitter. Criteria: ACMG Guidelines, 2015. Collection method: clinical testing. Allele origin: germline.
Comment: The TRIM32 c.1672G>A variant is predicted to result in the amino acid substitution p.Asp558Asn. To our knowledge, this variant has not been reported in the literature. This variant is reported in 0.0062% of alleles in individuals of African descent in gnomAD. At this time, the clinical significance of this variant is uncertain due to the absence of conclusive functional and genetic evidence.

NM_012210.4(TRIM32):c.1672G>A (p.Asp558Asn)

Genes: ASTN2 (astrotactin 2; minus strand), TRIM32 (tripartite motif containing 32; plus strand). Cytogenetic location: 9q33.1.
Variant type: single nucleotide variant.
Coding change: c.1672G>A on transcript NM_012210.4 (MANE Select); coding-DNA position 1672, G replaced by A.
Protein change: p.Asp558Asn; replaces aspartic acid 558 with asparagine.
Molecular consequence: missense variant. On other transcripts: intron variant (3).
Genome position (GRCh38, 1-based): chr9:116,699,414, G>A. VCF-style: chr9-116699414-G-A. GRCh37 (hg19) VCF-style: chr9-119461693-G-A.
Other names: c.1672G>A, p.Asp558Asn (NM_001099679.2, NM_001379048.1, NM_001379049.1 and 1 more transcripts); c.2653+26357C>T (NM_014010.5); c.2794+26357C>T (NM_001365069.1); c.2806+26357C>T (NM_001365068.1); short protein forms D558N.
Identifiers: ClinVar variation 4990854 (VCV004990854.1).